The following is an entry in ClinVar:

NM_001162501.2(TNRC6B):c.3282A>C (p.Lys1094Asn)

Gene: TNRC6B (trinucleotide repeat containing adaptor 6B; plus strand). Cytogenetic location: 22q13.1.
Variant type: single nucleotide variant.
Coding change: c.3282A>C on transcript NM_001162501.2 (MANE Select); coding-DNA position 3282, A replaced by C.
Protein change: p.Lys1094Asn; replaces lysine 1094 with asparagine.
Molecular consequence: missense variant.
Genome position (GRCh38, 1-based): chr22:40,280,014, A>C. VCF-style: chr22-40280014-A-C. GRCh37 (hg19) VCF-style: chr22-40676018-A-C.
Other names: c.1041A>C, p.Lys347Asn (NM_001024843.2); c.3123A>C, p.Lys1041Asn (NM_015088.3); short protein forms K1041N, K1094N, K347N.
Identifiers: ClinVar variation 2582142 (VCV002582142.1), dbSNP rs2518004233, ClinGen allele CA411650197.

ClinVar aggregate classification (germline): Uncertain significance (1 of 4 stars; one submission).

Submission:

GeneDx
Classification: Uncertain significance. Last evaluated: 2023-03-30. Review status: criteria provided, single submitter. Criteria: GeneDx Variant Classification Process June 2021. Collection method: clinical testing. Allele origin: germline. Affected: yes.
Comment: Not observed at significant frequency in large population cohorts (gnomAD); In silico analysis supports that this missense variant has a deleterious effect on protein structure/function; Has not been previously published as pathogenic or benign to our knowledge